The following is an entry in ClinVar:

NM_181840.1(KCNK18):c.456C>T (p.Gly152=)

Gene: KCNK18 (potassium two pore domain channel subfamily K member 18; plus strand). Cytogenetic location: 10q25.3.
Variant type: single nucleotide variant.
Coding change: c.456C>T on transcript NM_181840.1 (MANE Select); coding-DNA position 456, C replaced by T.
Protein change: p.Gly152=; no amino-acid change (glycine 152 retained).
Molecular consequence: synonymous variant.
Genome position (GRCh38, 1-based): chr10:117,209,600, C>T. VCF-style: chr10-117209600-C-T. GRCh37 (hg19) VCF-style: chr10-118969111-C-T.
Identifiers: ClinVar variation 2760243 (VCV002760243.5), dbSNP rs3026041, ClinGen allele CA5709988.

ClinVar aggregate classification (germline): Benign/Likely benign. Review status: criteria provided, multiple submitters, no conflicts (2 of 4 stars). 3 submissions from 3 submitters: Benign (1); Likely benign (1). 1 of the submissions does not count toward it. Last evaluated 2024-11-27.

Conditions:
KCNK18-related disorder. Also called: KCNK18-related condition.

Allele frequency attached by ClinVar (database versions not stated): ESP Exome Variant Server 0.00008; gnomAD exomes 0.00011; gnomAD 0.00027; TOPMed 0.00032; ExAC 0.00043; 1000 Genomes Project 0.00080; 1000 Genomes Project 30x 0.00109.
gnomAD v4.1: 293 of 1,614,084 alleles (0.018%); highest among the groups gnomAD compares: East Asian, 0.26%; 6 homozygotes.

Submissions (3):

Blueprint Genetics
Classification: Likely benign. Last evaluated: 2024-11-27. Review status: criteria provided, single submitter. Criteria: ACMG Guidelines, 2015. Collection method: clinical testing. Allele origin: germline.

Labcorp Genetics (formerly Invitae), Labcorp
Classification: Benign. Last evaluated: 2023-06-17. Review status: criteria provided, single submitter. Criteria: Invitae Variant Classification Sherloc (09022015). Collection method: clinical testing. Allele origin: germline.

PreventionGenetics, part of Exact Sciences
Classification: Likely benign for KCNK18-related condition. Last evaluated: 2024-06-24. Review status: no assertion criteria provided. Collection method: clinical testing. Allele origin: germline. Not counted in ClinVar's aggregate classification.
Comment: This variant is classified as likely benign based on ACMG/AMP sequence variant interpretation guidelines (Richards et al. 2015 PMID: 25741868, with internal and published modifications).